The following is an entry in ClinVar:

ClinVar aggregate classification (germline): Uncertain significance. Review status: criteria provided, multiple submitters, no conflicts (2 of 4 stars). 2 submissions from 2 submitters: Uncertain significance (2). Last evaluated 2025-11-08.

Conditions:
Inborn genetic diseases. Identifiers: MedGen C0950123, MeSH D030342.

Allele frequency attached by ClinVar (database versions not stated): ExAC 0.00001.
gnomAD v4.1: 3 of 1,614,058 alleles (0.00019%); highest among the groups gnomAD compares: Non-Finnish European, 0.00025%; no homozygotes.

Submissions (2):

Ambry Genetics
Classification: Uncertain significance for Inborn genetic diseases. Last evaluated: 2025-11-08. Review status: criteria provided, single submitter. Criteria: Ambry Variant Classification Scheme 2023. Collection method: clinical testing. Allele origin: germline.

Labcorp Genetics (formerly Invitae), Labcorp
Classification: Uncertain significance. Last evaluated: 2022-01-11. Review status: criteria provided, single submitter. Criteria: Invitae Variant Classification Sherloc (09022015). Collection method: clinical testing. Allele origin: germline.
Comment: In summary, the available evidence is currently insufficient to determine the role of this variant in disease. Therefore, it has been classified as a Variant of Uncertain Significance. Algorithms developed to predict the effect of missense changes on protein structure and function (SIFT, PolyPhen-2, Align-GVGD) all suggest that this variant is likely to be tolerated. This variant has not been reported in the literature in individuals affected with LRRK1-related conditions. This variant is present in population databases (rs755387791, gnomAD 0.003%). This sequence change replaces glutamic acid, which is acidic and polar, with lysine, which is basic and polar, at codon 1169 of the LRRK1 protein (p.Glu1169Lys).

NM_024652.6(LRRK1):c.3505G>A (p.Glu1169Lys)

Genes: LRRK1 (leucine rich repeat kinase 1; plus strand), LRRK1-AS1 (LRRK1 antisense RNA 1; minus strand). Cytogenetic location: 15q26.3.
Variant type: single nucleotide variant.
Coding change: c.3505G>A on transcript NM_024652.6 (MANE Select); coding-DNA position 3505, G replaced by A.
Protein change: p.Glu1169Lys; replaces glutamic acid 1169 with lysine.
Molecular consequence: missense variant.
Genome position (GRCh38, 1-based): chr15:101,051,776, G>A. VCF-style: chr15-101051776-G-A. GRCh37 (hg19) VCF-style: chr15-101591981-G-A.
Other names: c.3505G>A (NM_024652.3); short protein forms E1169K.
Identifiers: ClinVar variation 1919681 (VCV001919681.6), dbSNP rs755387791, ClinGen allele CA7761550.